The following is an entry in ClinVar:

NM_001497.4(B4GALT1):c.412+11G>T

Gene: B4GALT1 (beta-1,4-galactosyltransferase 1; minus strand). Cytogenetic location: 9p21.1.
Variant type: single nucleotide variant.
Coding change: c.412+11G>T on transcript NM_001497.4 (MANE Select); 11 bases into the intron after coding-DNA position 412, G replaced by T.
Molecular consequence: intron variant.
Genome position (GRCh38, 1-based): chr9:33,166,747, C>A on the plus strand (G>T on the coding strand, the complement: B4GALT1 is on the minus strand). VCF-style: chr9-33166747-C-A. GRCh37 (hg19) VCF-style: chr9-33166745-C-A.
Other names: c.412+11G>T (NM_001378497.1, NM_001378496.1); c.373+11G>T (NM_001378495.1).
Identifiers: ClinVar variation 366661 (VCV000366661.11), dbSNP rs73472943, ClinGen allele CA5023793.

ClinVar aggregate classification (germline): Benign. Review status: criteria provided, multiple submitters, no conflicts (2 of 4 stars). 3 submissions from 3 submitters: Benign (3). Last evaluated 2026-02-01.

Allele frequency attached by ClinVar (database versions not stated): ExAC 0.08501; ESP Exome Variant Server 0.09008; gnomAD 0.09020 and 0.09052; TOPMed 0.09469; 1000 Genomes Project 0.11861; 1000 Genomes Project 30x 0.11914.
gnomAD v4.1: 85,873 of 1,500,320 alleles (5.7%); highest among the groups gnomAD compares: African/African-American, 18%; 3,263 homozygotes.

Submissions (3):

Labcorp Genetics (formerly Invitae), Labcorp
Classification: Benign. Last evaluated: 2026-02-01. Review status: criteria provided, single submitter. Criteria: Invitae Variant Classification Sherloc (09022015). Collection method: clinical testing. Allele origin: germline.

GeneDx
Classification: Benign. Last evaluated: 2015-12-16. Review status: criteria provided, single submitter. Criteria: GeneDx Variant Classification (06012015). Collection method: clinical testing. Allele origin: germline. Affected: yes.
Comment: This variant is considered likely benign or benign based on one or more of the following criteria: it is a conservative change, it occurs at a poorly conserved position in the protein, it is predicted to be benign by multiple in silico algorithms, and/or has population frequency not consistent with disease.

Breakthrough Genomics
Classification: Benign. Review status: criteria provided, single submitter. Criteria: ACMG Guidelines, 2015. Collection method: not provided. Allele origin: germline. Inheritance: Autosomal recessive inheritance. Affected: yes.